The following is an entry in ClinVar:

ClinVar aggregate classification (germline): Uncertain significance (1 of 4 stars; one submission).

Conditions:
Myofibrillar myopathy 3 (MFM3). Also called: Muscular dystrophy, proximal, type 1A; Autosomal dominant spheroid body myopathy. Identifiers: Orphanet 266, Orphanet 268129, MedGen C3714934, MONDO:0012215, OMIM 609200.

Submission:

Labcorp Genetics (formerly Invitae), Labcorp
Classification: Uncertain significance for Myofibrillar myopathy 3. Last evaluated: 2025-10-27. Review status: criteria provided, single submitter. Criteria: Invitae Variant Classification Sherloc (09022015). Collection method: clinical testing. Allele origin: germline.
Comment: This sequence change replaces arginine, which is basic and polar, with lysine, which is basic and polar, at codon 234 of the MYOT protein (p.Arg234Lys). This variant is not present in population databases (gnomAD no frequency). This variant has not been reported in the literature in individuals affected with MYOT-related conditions. ClinVar contains an entry for this variant (Variation ID: 853618). Invitae Evidence Modeling of protein sequence and biophysical properties (such as structural, functional, and spatial information, amino acid conservation, physicochemical variation, residue mobility, and thermodynamic stability) indicates that this missense variant is not expected to disrupt MYOT protein function with a negative predictive value of 80%. In summary, the available evidence is currently insufficient to determine the role of this variant in disease. Therefore, it has been classified as a Variant of Uncertain Significance.

NM_006790.3(MYOT):c.701G>A (p.Arg234Lys)

Genes: MYOT (myotilin; plus strand), PKD2L2-DT (PKD2L2 divergent transcript; minus strand). Cytogenetic location: 5q31.2.
Variant type: single nucleotide variant.
Coding change: c.701G>A on transcript NM_006790.3 (MANE Select); coding-DNA position 701, G replaced by A.
Protein change: p.Arg234Lys; replaces arginine 234 with lysine.
Molecular consequence: missense variant.
Genome position (GRCh38, 1-based): chr5:137,881,990, G>A. VCF-style: chr5-137881990-G-A. GRCh37 (hg19) VCF-style: chr5-137217679-G-A.
Other names: c.149G>A, p.Arg50Lys (NM_001135940.2); c.356G>A, p.Arg119Lys (NM_001300911.2); short protein forms R50K, R119K, R234K.
Identifiers: ClinVar variation 853618 (VCV000853618.8), dbSNP rs1755447825, ClinGen allele CA361055059.